The following is an entry in ClinVar:

ClinVar aggregate classification (germline): Uncertain significance (1 of 4 stars; one submission).

Submission:

Labcorp Genetics (formerly Invitae), Labcorp
Classification: Uncertain significance. Last evaluated: 2023-08-14. Review status: criteria provided, single submitter. Criteria: Invitae Variant Classification Sherloc (09022015). Collection method: clinical testing. Allele origin: germline.
Comment: Advanced modeling of protein sequence and biophysical properties (such as structural, functional, and spatial information, amino acid conservation, physicochemical variation, residue mobility, and thermodynamic stability) performed at Invitae indicates that this missense variant is not expected to disrupt WNK4 protein function. This variant has not been reported in the literature in individuals affected with WNK4-related conditions. This variant is not present in population databases (gnomAD no frequency). This sequence change replaces proline, which is neutral and non-polar, with arginine, which is basic and polar, at codon 638 of the WNK4 protein (p.Pro638Arg). In summary, the available evidence is currently insufficient to determine the role of this variant in disease. Therefore, it has been classified as a Variant of Uncertain Significance.

NM_032387.5(WNK4):c.1913C>G (p.Pro638Arg)

Gene: WNK4 (WNK lysine deficient protein kinase 4; plus strand). Cytogenetic location: 17q21.2.
Variant type: single nucleotide variant.
Coding change: c.1913C>G on transcript NM_032387.5 (MANE Select); coding-DNA position 1913, C replaced by G.
Protein change: p.Pro638Arg; replaces proline 638 with arginine.
Molecular consequence: missense variant.
Genome position (GRCh38, 1-based): chr17:42,788,179, C>G. VCF-style: chr17-42788179-C-G. GRCh37 (hg19) VCF-style: chr17-40940197-C-G.
Other names: c.905C>G, p.Pro302Arg (NM_001321299.2); short protein forms P302R, P638R.
Identifiers: ClinVar variation 2998213 (VCV002998213.3), dbSNP rs2544010042, ClinGen allele CA399658837.